The following is an entry in ClinVar:

NM_138927.4(SON):c.1630A>T (p.Met544Leu)

Gene: SON (SON DNA and RNA binding protein; plus strand). Cytogenetic location: 21q22.11.
Variant type: single nucleotide variant.
Coding change: c.1630A>T on transcript NM_138927.4 (MANE Select); coding-DNA position 1630, A replaced by T.
Protein change: p.Met544Leu; replaces methionine 544 with leucine.
Molecular consequence: missense variant. On other transcripts: non-coding transcript variant (1), intron variant (1).
Genome position (GRCh38, 1-based): chr21:33,550,861, A>T. VCF-style: chr21-33550861-A-T. GRCh37 (hg19) VCF-style: chr21-34923167-A-T.
Other names: c.1630A>T, p.Met544Leu (NM_001291411.2, NM_032195.3); c.244+4482A>T (NM_001291412.3); short protein forms M544L.
Identifiers: ClinVar variation 844091 (VCV000844091.7), dbSNP rs369669572, ClinGen allele CA10008942.
Genomic context (GRCh38, chr21:33,550,861, plus strand): 5'-CATCCTGGGCATCCTGAGGTGACAACGGCAACAGGGTTGCTGGGGCAGCCTGAGGCAACG[A>T]TGGTGCTGGAGTTGCCAGGACAGCCAGTGGCAACGACAGCGCTGGAGTTGCCGGGGCAGC-3'
Protein context (NP_620305.3, residues 534-554): TGLLGQPEAT[Met544Leu]VLELPGQPVA

ClinVar aggregate classification (germline): Uncertain significance (1 of 4 stars; one submission).

Allele frequency attached by ClinVar (database versions not stated): gnomAD exomes below 0.00001 and 0.00001; ExAC 0.00001.
gnomAD v4.1: 3 of 1,613,064 alleles (0.00019%); highest among the groups gnomAD compares: East Asian, 0.0045%; no homozygotes.

Submission:

Labcorp Genetics (formerly Invitae), Labcorp
Classification: Uncertain significance. Last evaluated: 2022-06-28. Review status: criteria provided, single submitter. Criteria: Invitae Variant Classification Sherloc (09022015). Collection method: clinical testing. Allele origin: germline.
Comment: In summary, the available evidence is currently insufficient to determine the role of this variant in disease. Therefore, it has been classified as a Variant of Uncertain Significance. Algorithms developed to predict the effect of missense changes on protein structure and function are either unavailable or do not agree on the potential impact of this missense change (SIFT: "Deleterious"; PolyPhen-2: "Benign"; Align-GVGD: "Class C0"). ClinVar contains an entry for this variant (Variation ID: 844091). This variant has not been reported in the literature in individuals affected with SON-related conditions. This variant is present in population databases (rs369669572, gnomAD 0.006%). This sequence change replaces methionine, which is neutral and non-polar, with leucine, which is neutral and non-polar, at codon 544 of the SON protein (p.Met544Leu).